The following is an entry in ClinVar:

ClinVar aggregate classification (germline): Uncertain significance (1 of 4 stars; one submission).

Submission:

CeGaT Center for Human Genetics Tuebingen
Classification: Uncertain significance. Last evaluated: 2023-08-01. Review status: criteria provided, single submitter. Criteria: CeGaT Center For Human Genetics Tuebingen Variant Classification Criteria Version 2. Collection method: clinical testing. Allele origin: germline. Affected: yes. Observed: 1 variant allele.
Comment: NLGN1: PM2, PP3

NM_001365925.2(NLGN1):c.706G>A (p.Gly236Ser)

Gene: NLGN1 (neuroligin 1; plus strand). Cytogenetic location: 3q26.31.
Variant type: single nucleotide variant.
Coding change: c.706G>A on transcript NM_001365925.2 (MANE Select); coding-DNA position 706, G replaced by A.
Protein change: p.Gly236Ser; replaces glycine 236 with serine.
Molecular consequence: missense variant.
Genome position (GRCh38, 1-based): chr3:173,807,832, G>A. VCF-style: chr3-173807832-G-A. GRCh37 (hg19) VCF-style: chr3-173525622-G-A.
Other names: c.706G>A, p.Gly236Ser (NM_001365923.2, NM_001365924.2, NM_001365926.2 and 2 more transcripts); c.646G>A, p.Gly216Ser (NM_001365929.2, NM_001365930.2, NM_001365931.2 and 6 more transcripts); short protein forms G216S, G236S.
Identifiers: ClinVar variation 2654280 (VCV002654280.24), dbSNP rs2546651858, ClinGen allele CA355542272.